The following is an entry in ClinVar:

ClinVar aggregate classification (germline): Pathogenic (1 of 4 stars; one submission).

Conditions:
Arrhythmogenic right ventricular dysplasia 8 (ARVD8). Also called: Arrhythmogenic Right Ventricular Dysplasia/Cardiomyopathy 8; ARRHYTHMOGENIC RIGHT VENTRICULAR DYSPLASIA, FAMILIAL, 8; ARRHYTHMOGENIC RIGHT VENTRICULAR CARDIOMYOPATHY 8. Identifiers: MedGen C1843896, MONDO:0011831, OMIM 607450.
Arrhythmogenic cardiomyopathy with wooly hair and keratoderma. Also called: PALMOPLANTAR KERATODERMA WITH LEFT VENTRICULAR CARDIOMYOPATHY AND WOOLLY HAIR; Carvajal syndrome; Arrhythmogenic cardiomyopathy with woolly hair and keratoderma; Dilated cardiomyopathy with woolly hair and keratoderma. Identifiers: Orphanet 65282, MedGen C1854063, MONDO:0011581, OMIM 605676.

Submission:

Labcorp Genetics (formerly Invitae), Labcorp
Classification: Pathogenic for Arrhythmogenic cardiomyopathy with wooly hair and keratoderma; Arrhythmogenic right ventricular dysplasia 8. Last evaluated: 2020-09-08. Review status: criteria provided, single submitter. Criteria: Invitae Variant Classification Sherloc (09022015). Collection method: clinical testing. Allele origin: germline.
Comment: Loss-of-function variants in DSP are known to be pathogenic (PMID: 20716751, 24503780, 25227139). For these reasons, this variant has been classified as Pathogenic. This variant has not been reported in the literature in individuals with DSP-related conditions. This sequence change creates a premature translational stop signal (p.Glu1401*) in the DSP gene. It is expected to result in an absent or disrupted protein product. This variant is not present in population databases (ExAC no frequency).

Literature cited by the submitters: PubMed 20716751; PubMed 24503780; PubMed 25227139.

NM_004415.4(DSP):c.4201G>T (p.Glu1401Ter)

Gene: DSP (desmoplakin; plus strand). Cytogenetic location: 6p24.3.
Variant type: single nucleotide variant.
Coding change: c.4201G>T on transcript NM_004415.4 (MANE Select); coding-DNA position 4201, G replaced by T.
Protein change: p.Glu1401Ter; replaces glutamic acid 1401 with a stop codon.
Molecular consequence: nonsense. On other transcripts: intron variant (2).
Genome position (GRCh38, 1-based): chr6:7,580,391, G>T. VCF-style: chr6-7580391-G-T. GRCh37 (hg19) VCF-style: chr6-7580624-G-T.
Other names: c.4050+151G>T (NM_001319034.2); c.3582+619G>T (NM_001008844.3); short protein forms E1401*.
Identifiers: ClinVar variation 1070590 (VCV001070590.7), dbSNP rs774065012, ClinGen allele CA362685774.